The following is an entry in ClinVar:

ClinVar aggregate classification (germline): Benign. Review status: criteria provided, multiple submitters, no conflicts (2 of 4 stars). 2 submissions from 2 submitters: Benign (2). Last evaluated 2018-01-13.

Conditions:
Neurofibromatosis, type 2 (SWNV). Also called: SCHWANNOMATOSIS, VESTIBULAR; BILATERAL ACOUSTIC NEUROFIBROMATOSIS; NF2-Related Schwannomatosis. Identifiers: Orphanet 637, MedGen C0027832, MONDO:0007039, OMIM 101000. Disease mechanism: loss of function.

Allele frequency attached by ClinVar (database versions not stated): TOPMed 0.23219; gnomAD 0.23305 and 0.23680; gnomAD exomes 0.25456; 1000 Genomes Project 30x 0.27842; 1000 Genomes Project 0.28015.
gnomAD v4.1: 113,403 of 457,612 alleles (25%); highest among the groups gnomAD compares: East Asian, 45%; 15,200 homozygotes.

Submissions (2):

Illumina Laboratory Services, Illumina
Classification: Benign for Neurofibromatosis, type 2. Last evaluated: 2018-01-13. Review status: criteria provided, single submitter. Criteria: ICSL Variant Classification Criteria 13 December 2019. Collection method: clinical testing. Allele origin: germline.
Comment: This variant was observed in the ICSL laboratory as part of a predisposition screen in an ostensibly healthy population. It had not been previously curated by ICSL or reported in the Human Gene Mutation Database (HGMD: prior to June 1st, 2018), and was therefore a candidate for classification through an automated scoring system. Utilizing variant allele frequency, disease prevalence and penetrance estimates, and inheritance mode, an automated score was calculated to assess if this variant is too frequent to cause the disease. Based on the score and internal cut-off values, a variant classified as benign is not then subjected to further curation. The score for this variant resulted in a classification of benign for this disease.

Breakthrough Genomics
Classification: Benign. Review status: criteria provided, single submitter. Criteria: ACMG Guidelines, 2015. Collection method: not provided. Allele origin: germline. Inheritance: Autosomal dominant inheritance. Affected: yes.

NM_000268.4(NF2):c.*354T>C

Gene: NF2 (NF2, moesin-ezrin-radixin like (MERLIN) tumor suppressor; plus strand). Cytogenetic location: 22q12.2.
Variant type: single nucleotide variant.
Coding change: c.*354T>C on transcript NM_000268.4 (MANE Select); 354 bases downstream of the stop codon, T replaced by C.
Molecular consequence: 3 prime UTR variant. On other transcripts: non-coding transcript variant (1).
Genome position (GRCh38, 1-based): chr22:29,695,156, T>C. VCF-style: chr22-29695156-T-C. GRCh37 (hg19) VCF-style: chr22-30091145-T-C.
Other names: c.*414T>C (NM_016418.5, NM_181828.3, NM_181829.3 and 1 more transcripts); c.*429T>C (NM_181832.3); c.*354T>C (NM_181833.3).
Identifiers: ClinVar variation 341085 (VCV000341085.6), dbSNP rs1008515, ClinGen allele CA10645247.